The following is an entry in ClinVar:

ClinVar aggregate classification (germline): Uncertain significance (1 of 4 stars; one submission).

Submission:

GeneDx
Classification: Uncertain significance. Last evaluated: 2024-05-28. Review status: criteria provided, single submitter. Criteria: GeneDx Variant Classification Process June 2021. Collection method: clinical testing. Allele origin: germline.
Comment: Not observed at significant frequency in large population cohorts (gnomAD); In silico analysis indicates that this missense variant does not alter protein structure/function; Has not been previously published as pathogenic or benign to our knowledge

NM_002816.5(PSMD12):c.1172C>T (p.Ala391Val)

Gene: PSMD12 (proteasome 26S subunit, non-ATPase 12; minus strand). Cytogenetic location: 17q24.2.
Variant type: single nucleotide variant.
Coding change: c.1172C>T on transcript NM_002816.5 (MANE Select); coding-DNA position 1172, C replaced by T.
Protein change: p.Ala391Val; replaces alanine 391 with valine.
Molecular consequence: missense variant.
Genome position (GRCh38, 1-based): chr17:67,341,042, G>A on the plus strand (C>T on the coding strand, the complement: PSMD12 is on the minus strand). VCF-style: chr17-67341042-G-A. GRCh37 (hg19) VCF-style: chr17-65337158-G-A.
Other names: c.995C>T, p.Ala332Val (NM_001316341.2); c.1112C>T, p.Ala371Val (NM_174871.4); short protein forms A332V, A371V, A391V.
Identifiers: ClinVar variation 2499183 (VCV002499183.2), dbSNP rs2509678225, ClinGen allele CA400803534.